The following is an entry in ClinVar:

NM_153266.4(TMEM151A):c.164G>A (p.Cys55Tyr)

Gene: TMEM151A (transmembrane protein 151A; plus strand). Cytogenetic location: 11q13.2.
Variant type: single nucleotide variant.
Coding change: c.164G>A on transcript NM_153266.4 (MANE Select); coding-DNA position 164, G replaced by A.
Protein change: p.Cys55Tyr; replaces cysteine 55 with tyrosine.
Molecular consequence: missense variant.
Genome position (GRCh38, 1-based): chr11:66,294,410, G>A. VCF-style: chr11-66294410-G-A. GRCh37 (hg19) VCF-style: chr11-66061881-G-A.
Other names: short protein forms C55Y.
Identifiers: ClinVar variation 4855338 (VCV004855338.1).

ClinVar aggregate classification (germline): Uncertain significance (1 of 4 stars; one submission).

Conditions:
Episodic kinesigenic dyskinesia 3 (EKD3). Also called: DYSTONIA 36. Identifiers: MedGen C5830280, MONDO:0859380, OMIM 620245.

Submission:

3billion
Classification: Uncertain significance for Episodic kinesigenic dyskinesia 3. Last evaluated: 2025-11-10. Review status: criteria provided, single submitter. Criteria: ACMG Guidelines, 2015. Collection method: clinical testing. Allele origin: germline. Affected: yes.
Comment: The variant is not observed in the gnomAD v4.1.0 dataset. Predicted Consequence/Location: Missense variant In silico tool predictions suggest damaging effect of the variant on gene or gene product [REVEL: 0.68 (>=0.6, sensitivity 0.68 and specificity 0.92)]. Therefore, this variant is classified as VUS according to the recommendation of ACMG/AMP guideline.